The following is an entry in ClinVar:

NM_053025.4(MYLK):c.571C>G (p.Gln191Glu)

Gene: MYLK (myosin light chain kinase; minus strand). Cytogenetic location: 3q21.1.
Variant type: single nucleotide variant.
Coding change: c.571C>G on transcript NM_053025.4 (MANE Select); coding-DNA position 571, C replaced by G.
Protein change: p.Gln191Glu; replaces glutamine 191 with glutamic acid.
Molecular consequence: missense variant.
Genome position (GRCh38, 1-based): chr3:123,738,914, G>C on the plus strand (C>G on the coding strand, the complement: MYLK is on the minus strand). VCF-style: chr3-123738914-G-C. GRCh37 (hg19) VCF-style: chr3-123457761-G-C.
Other names: c.43C>G, p.Gln15Glu (NM_001321309.2); c.571C>G, p.Gln191Glu (NM_053026.4, NM_053027.4, NM_053028.4); short protein forms Q191E, Q15E.
Identifiers: ClinVar variation 198605 (VCV000198605.14), dbSNP rs794727880, ClinGen allele CA024865.

ClinVar aggregate classification (germline): Uncertain significance. Review status: criteria provided, multiple submitters, no conflicts (2 of 4 stars). 3 submissions from 3 submitters: Uncertain significance (3). Last evaluated 2023-06-17.

Conditions:
Familial thoracic aortic aneurysm and aortic dissection (TAAD). Also called: Thoracic aortic aneurysms and dissections. Identifiers: Orphanet 91387, MedGen C4707243, MONDO:0019625.
Aortic aneurysm, familial thoracic 7 (AAT7). Also called: AORTIC DISSECTION, FAMILIAL, WITH OR WITHOUT AORTIC ANEURYSM. Identifiers: MedGen C3151077, MONDO:0013418, OMIM 613780.

Allele frequency attached by ClinVar (database versions not stated): gnomAD 0.00001; gnomAD exomes 0.00002; TOPMed 0.00002.
gnomAD v4.1: 24 of 1,611,416 alleles (0.0015%); highest among the groups gnomAD compares: Non-Finnish European, 0.002%; no homozygotes.

Submissions (3):

Ambry Genetics
Classification: Uncertain significance for Familial thoracic aortic aneurysm and aortic dissection. Last evaluated: 2023-06-17. Review status: criteria provided, single submitter. Criteria: Ambry Variant Classification Scheme 2023. Collection method: clinical testing. Allele origin: germline.
Comment: The p.Q191E variant (also known as c.571C>G), located in coding exon 4 of the MYLK gene, results from a C to G substitution at nucleotide position 571. The glutamine at codon 191 is replaced by glutamic acid, an amino acid with highly similar properties. This amino acid position is well conserved in available vertebrate species; however, glutamic acid is the reference amino acid in other vertebrate species. In addition, this alteration is predicted to be tolerated by in silico analysis. Since supporting evidence is limited at this time, the clinical significance of this alteration remains unclear.

Labcorp Genetics (formerly Invitae), Labcorp
Classification: Uncertain significance for Aortic aneurysm, familial thoracic 7. Last evaluated: 2021-08-27. Review status: criteria provided, single submitter. Criteria: Invitae Variant Classification Sherloc (09022015). Collection method: clinical testing. Allele origin: germline.
Comment: This sequence change replaces glutamine with glutamic acid at codon 191 of the MYLK protein (p.Gln191Glu). The glutamine residue is highly conserved and there is a small physicochemical difference between glutamine and glutamic acid. This variant is not present in population databases (ExAC no frequency). This variant has not been reported in the literature in individuals affected with MYLK-related conditions. ClinVar contains an entry for this variant (Variation ID: 198605). Algorithms developed to predict the effect of missense changes on protein structure and function (SIFT, PolyPhen-2, Align-GVGD) all suggest that this variant is likely to be disruptive. In summary, the available evidence is currently insufficient to determine the role of this variant in disease. Therefore, it has been classified as a Variant of Uncertain Significance.

Eurofins Ntd Llc (ga)
Classification: Uncertain significance. Last evaluated: 2014-12-03. Review status: criteria provided, single submitter. Criteria: EGL Classification Definitions 2015. Collection method: clinical testing. Allele origin: germline. Observed: 1 variant allele, 1 heterozygote.